The following is an entry in ClinVar:

NM_004100.5(EYA4):c.319G>A (p.Glu107Lys)

Genes: EYA4-AS2 (EYA4 antisense RNA 2; minus strand), EYA4 (EYA transcriptional coactivator and phosphatase 4; plus strand). Cytogenetic location: 6q23.2.
Variant type: single nucleotide variant.
Coding change: c.319G>A on transcript NM_004100.5 (MANE Select); coding-DNA position 319, G replaced by A.
Protein change: p.Glu107Lys; replaces glutamic acid 107 with lysine.
Molecular consequence: missense variant. On other transcripts: intron variant (2).
Genome position (GRCh38, 1-based): chr6:133,456,597, G>A. VCF-style: chr6-133456597-G-A. GRCh37 (hg19) VCF-style: chr6-133777735-G-A.
Other names: c.319G>A, p.Glu107Lys (NM_001301013.2, NM_172105.4); c.250G>A, p.Glu84Lys (NM_001370458.1, NM_172103.4); c.209-4517G>A (NM_001370459.1, NM_001301012.2); short protein forms E107K, E84K.
Identifiers: ClinVar variation 846875 (VCV000846875.9), dbSNP rs1793927066, ClinGen allele CA365694340.
Genomic context (GRCh38, chr6:133,456,597, plus strand): 5'-TACTTATTCTTCTACGTAGTGTCTCTTCTTGCAGTCAAAACAGAGCCCTTGAACAGCAGT[G>A]AAACCACAGCCACGACTGGAGATGGAGCGCTTGACACTTTTACTGGGTCAGGTAAAGCCT-3'
Protein context (NP_004091.3, residues 97-117): AVKTEPLNSS[Glu107Lys]TTATTGDGAL

ClinVar aggregate classification (germline): Uncertain significance (1 of 4 stars; one submission).

Conditions:
Dilated cardiomyopathy 1J (CMD1J). Also called: CARDIOMYOPATHY, DILATED, WITH SENSORINEURAL HEARING LOSS, AUTOSOMAL DOMINANT. Identifiers: Orphanet 217622, MedGen C1854368, MONDO:0011541, OMIM 605362.

Submission:

Labcorp Genetics (formerly Invitae), Labcorp
Classification: Uncertain significance for Dilated cardiomyopathy 1J. Last evaluated: 2019-02-21. Review status: criteria provided, single submitter. Criteria: Invitae Variant Classification Sherloc (09022015). Collection method: clinical testing. Allele origin: germline.
Comment: In summary, the available evidence is currently insufficient to determine the role of this variant in disease. Therefore, it has been classified as a Variant of Uncertain Significance. Algorithms developed to predict the effect of missense changes on protein structure and function are either unavailable or do not agree on the potential impact of this missense change (SIFT: "Tolerated"; PolyPhen-2: "Possibly Damaging"; Align-GVGD: "Class C0"). This variant has not been reported in the literature in individuals with EYA4-related conditions. This variant is not present in population databases (ExAC no frequency). This sequence change replaces glutamic acid with lysine at codon 107 of the EYA4 protein (p.Glu107Lys). The glutamic acid residue is moderately conserved and there is a small physicochemical difference between glutamic acid and lysine.